The following is an entry in ClinVar:

ClinVar aggregate classification (germline): Uncertain significance (1 of 4 stars; one submission).

Conditions:
Epidermolysis bullosa simplex 5B, with muscular dystrophy (EBS5B). Also called: EPIDERMOLYSIS BULLOSA SIMPLEX AND LIMB-GIRDLE MUSCULAR DYSTROPHY; Epidermolysis bullosa simplex with muscular dystrophy. Identifiers: Orphanet 257, MedGen C2931072, MONDO:0009181, OMIM 226670.
Epidermolysis bullosa simplex with nail dystrophy (EBS5D). Identifiers: MedGen C4225309, MONDO:0014661, OMIM 616487.
Epidermolysis bullosa simplex, Ogna type (EBS5A). Also called: Pidermolysis bullosa simplex 5A, Ogna type; EPIDERMOLYSIS BULLOSA SIMPLEX 5A, OGNA TYPE. Identifiers: Orphanet 79401, MedGen C0432317, MONDO:0007555, OMIM 131950.
Epidermolysis bullosa simplex 5C, with pyloric atresia (EBS5C). Also called: PLEC-Related Epidermolysis Bullosa with Pyloric Atresia; Epidermolysis bullosa simplex with pyloric atresia; PLEC1-Related Epidermolysis Bullosa with Pyloric Atresia. Identifiers: Orphanet 158684, MedGen C2677349, MONDO:0012807, OMIM 612138.
Autosomal recessive limb-girdle muscular dystrophy type 2Q (LGMDR17). Also called: MUSCULAR DYSTROPHY, LIMB-GIRDLE, AUTOSOMAL RECESSIVE 17. Identifiers: Orphanet 254361, MedGen C3150989, MONDO:0013390, OMIM 613723.

gnomAD v4.1: 1 of 1,613,162 alleles (0.000062%); no homozygotes.

Submission:

Labcorp Genetics (formerly Invitae), Labcorp
Classification: Uncertain significance for Autosomal recessive limb-girdle muscular dystrophy type 2Q; Epidermolysis bullosa simplex, Ogna type; Epidermolysis bullosa simplex with nail dystrophy; Epidermolysis bullosa simplex 5C, with pyloric atresia; Epidermolysis bullosa simplex 5B, with muscular dystrophy. Last evaluated: 2021-03-23. Review status: criteria provided, single submitter. Criteria: Invitae Variant Classification Sherloc (09022015). Collection method: clinical testing. Allele origin: germline.
Comment: This variant has not been reported in the literature in individuals with PLEC-related conditions. This variant is not present in population databases (ExAC no frequency). This sequence change replaces methionine with threonine at codon 475 of the PLEC protein (p.Met475Thr). The methionine residue is highly conserved and there is a moderate physicochemical difference between methionine and threonine. Algorithms developed to predict the effect of missense changes on protein structure and function are either unavailable or do not agree on the potential impact of this missense change (SIFT: "Deleterious"; PolyPhen-2: "Not Available"; Align-GVGD: "Class C0"). In summary, the available evidence is currently insufficient to determine the role of this variant in disease. Therefore, it has been classified as a Variant of Uncertain Significance.

NM_201384.3(PLEC):c.1343T>C (p.Met448Thr)

Gene: PLEC (plectin; minus strand). Cytogenetic location: 8q24.3.
Variant type: single nucleotide variant.
Coding change: c.1343T>C on transcript NM_201384.3 (MANE Select); coding-DNA position 1343, T replaced by C.
Protein change: p.Met448Thr; replaces methionine 448 with threonine.
Molecular consequence: missense variant.
Genome position (GRCh38, 1-based): chr8:143,933,272, A>G on the plus strand (T>C on the coding strand, the complement: PLEC is on the minus strand). VCF-style: chr8-143933272-A-G. GRCh37 (hg19) VCF-style: chr8-145007440-A-G.
Other names: c.1424T>C, p.Met475Thr (NM_000445.5); c.1301T>C, p.Met434Thr (NM_201378.4); c.1277T>C, p.Met426Thr (NM_201379.3); c.1754T>C, p.Met585Thr (NM_201380.4); c.1247T>C, p.Met416Thr (NM_201381.3); c.1343T>C, p.Met448Thr (NM_201382.4); c.1355T>C, p.Met452Thr (NM_201383.3); short protein forms M434T, M585T, M416T, M448T, M452T, M426T, M475T.
Identifiers: ClinVar variation 1519503 (VCV001519503.8), dbSNP rs2131966492, ClinGen allele CA372582277.